The following is an entry in ClinVar:

ClinVar aggregate classification (germline): Uncertain significance. Review status: criteria provided, multiple submitters, no conflicts (2 of 4 stars). 2 submissions from 2 submitters: Uncertain significance (2). Last evaluated 2026-02-10.

Conditions:
NKX2-5-related disorder. Also called: NKX2-5-related condition.
Cardiovascular phenotype. Identifiers: MedGen CN230736.

Allele frequency attached by ClinVar (database versions not stated): gnomAD 0.00001; ExAC 0.00002; TOPMed 0.00002.
gnomAD v4.1: 24 of 1,601,638 alleles (0.0015%); highest among the groups gnomAD compares: Non-Finnish European, 0.002%; no homozygotes.

Submissions (2):

PreventionGenetics, part of Exact Sciences
Classification: Uncertain significance for NKX2-5-related condition. Last evaluated: 2026-02-10. Review status: criteria provided, single submitter. Criteria: ACMG Guidelines, 2015. Collection method: clinical testing. Allele origin: germline.
Comment: The NKX2-5 c.-2C>T variant is located in the 5' untranslated region. To our knowledge, this variant has not been reported in the literature. This variant is reported in 0.0097% of alleles in individuals of European (Non-Finnish) descent in gnomAD and is interpreted as uncertain in ClinVar (Variation ID: 1798661). At this time, the clinical significance of this variant is uncertain due to the absence of conclusive functional and genetic evidence.

Ambry Genetics
Classification: Uncertain significance for Cardiovascular phenotype. Last evaluated: 2025-10-30. Review status: criteria provided, single submitter. Criteria: Ambry Variant Classification Scheme 2023. Collection method: clinical testing. Allele origin: germline.
Comment: The c.-2C>T variant is located in the 5' untranslated region (5&rsquo; UTR) of the NKX2-5 gene. This variant results from a C to T substitution 2 bases upstream from the first translated codon. This nucleotide position is highly conserved in available vertebrate species. Since supporting evidence is limited at this time, the clinical significance of this alteration remains unclear.

NM_004387.4(NKX2-5):c.-2C>T

Gene: NKX2-5 (NK2 homeobox 5; minus strand). Cytogenetic location: 5q35.1.
Variant type: single nucleotide variant.
Coding change: c.-2C>T on transcript NM_004387.4 (MANE Select); 2 bases upstream of the start codon, C replaced by T.
Molecular consequence: 5 prime UTR variant.
Genome position (GRCh38, 1-based): chr5:173,235,085, G>A on the plus strand (C>T on the coding strand, the complement: NKX2-5 is on the minus strand). VCF-style: chr5-173235085-G-A. GRCh37 (hg19) VCF-style: chr5-172662088-G-A.
Other names: c.-2C>T (NM_001166175.2, NM_001166176.2).
Identifiers: ClinVar variation 1798661 (VCV001798661.4), dbSNP rs772727682, ClinGen allele CA3563865.
Genomic context (GRCh38, chr5:173,235,085, plus strand): 5'-AGGTTTAGGATGTCTTTGACTGAGAAGGGCGTGGGCGTGAGAGCAGGGCTGGGGAACATG[G>A]TGGCAGCGCCAGTCTCACAGCGCCAGGTGGGCGGCAGAAAGCGGCGCTGCCCACGGCCCC-3'